The following is an entry in ClinVar:

NM_014845.6(FIG4):c.398T>C (p.Ile133Thr)

Gene: FIG4 (FIG4 phosphoinositide 5-phosphatase; plus strand). Cytogenetic location: 6q21.
Variant type: single nucleotide variant.
Coding change: c.398T>C on transcript NM_014845.6 (MANE Select); coding-DNA position 398, T replaced by C.
Protein change: p.Ile133Thr; replaces isoleucine 133 with threonine.
Molecular consequence: missense variant.
Genome position (GRCh38, 1-based): chr6:109,727,217, T>C. VCF-style: chr6-109727217-T-C. GRCh37 (hg19) VCF-style: chr6-110048420-T-C.
Other names: short protein forms I133T.
Identifiers: ClinVar variation 3901640 (VCV003901640.1).

ClinVar aggregate classification (germline): Uncertain significance (1 of 4 stars; one submission).

gnomAD v4.1: 25 of 1,612,732 alleles (0.0016%); highest among the groups gnomAD compares: East Asian, 0.0022%; no homozygotes.

Submission:

GeneDx
Classification: Uncertain significance. Last evaluated: 2024-12-03. Review status: criteria provided, single submitter. Criteria: GeneDx Variant Classification Process June 2021. Collection method: clinical testing. Allele origin: germline. Affected: yes.
Comment: Not observed at significant frequency in large population cohorts (gnomAD); In silico analysis supports that this missense variant has a deleterious effect on protein structure/function; Has not been previously published as pathogenic or benign to our knowledge